The following is an entry in ClinVar:

NM_004715.5(CTDP1):c.2491C>T (p.Pro831Ser)

Gene: CTDP1 (CTD phosphatase subunit 1; plus strand). Cytogenetic location: 18q23.
Variant type: single nucleotide variant.
Coding change: c.2491C>T on transcript NM_004715.5 (MANE Select); coding-DNA position 2491, C replaced by T.
Protein change: p.Pro831Ser; replaces proline 831 with serine.
Molecular consequence: missense variant. On other transcripts: intron variant (1).
Genome position (GRCh38, 1-based): chr18:79,728,980, C>T. VCF-style: chr18-79728980-C-T. GRCh37 (hg19) VCF-style: chr18-77488980-C-T.
Other names: c.2134C>T, p.Pro712Ser (NM_001202504.1); c.2491C>T, p.Pro831Ser (NM_001318511.2); c.2418-7375C>T (NM_048368.4); short protein forms P712S, P831S.
Identifiers: ClinVar variation 2132684 (VCV002132684.4), dbSNP rs2086508894, ClinGen allele CA402834107.

ClinVar aggregate classification (germline): Uncertain significance (1 of 4 stars; one submission).

Allele frequency attached by ClinVar (database versions not stated): gnomAD exomes 0.00001.
gnomAD v4.1: 9 of 1,614,162 alleles (0.00056%); highest among the groups gnomAD compares: Non-Finnish European, 0.00076%; no homozygotes.

Submission:

Labcorp Genetics (formerly Invitae), Labcorp
Classification: Uncertain significance. Last evaluated: 2022-05-09. Review status: criteria provided, single submitter. Criteria: Invitae Variant Classification Sherloc (09022015). Collection method: clinical testing. Allele origin: germline.
Comment: In summary, the available evidence is currently insufficient to determine the role of this variant in disease. Therefore, it has been classified as a Variant of Uncertain Significance. Algorithms developed to predict the effect of missense changes on protein structure and function are either unavailable or do not agree on the potential impact of this missense change (SIFT: "Tolerated"; PolyPhen-2: "Probably Damaging"; Align-GVGD: "Class C0"). This variant has not been reported in the literature in individuals affected with CTDP1-related conditions. This variant is not present in population databases (gnomAD no frequency). This sequence change replaces proline, which is neutral and non-polar, with serine, which is neutral and polar, at codon 831 of the CTDP1 protein (p.Pro831Ser).